The following is an entry in ClinVar:

NM_000257.4(MYH7):c.4116G>T (p.Arg1372Ser)

Gene: MYH7 (myosin heavy chain 7; minus strand). Cytogenetic location: 14q11.2.
Variant type: single nucleotide variant.
Coding change: c.4116G>T on transcript NM_000257.4 (MANE Select); coding-DNA position 4116, G replaced by T.
Protein change: p.Arg1372Ser; replaces arginine 1372 with serine.
Molecular consequence: missense variant.
Genome position (GRCh38, 1-based): chr14:23,418,263, C>A on the plus strand (G>T on the coding strand, the complement: MYH7 is on the minus strand). VCF-style: chr14-23418263-C-A. GRCh37 (hg19) VCF-style: chr14-23887472-C-A.
Other names: c.4116G>T, p.Arg1372Ser (NM_001407004.1); short protein forms R1372S.
Identifiers: ClinVar variation 3636008 (VCV003636008.2).
Genomic context (GRCh38, chr14:23,418,263, plus strand): 5'-AACTCACTTGGCCTCCTCGAGCTCCTCAGTCCGCTGAATGGCGTCCGTCTCATACTTGGT[C>A]CTCCACTGGGCCACCTCCGAGTTGGCCTTGGAAAGGACGCGCTGCAGCTCGGCCTTGGCC-3'
Protein context (NP_000248.2, residues 1362-1382): SKANSEVAQW[Arg1372Ser]TKYETDAIQR

ClinVar aggregate classification (germline): Uncertain significance (1 of 4 stars; one submission).

Conditions:
Hypertrophic cardiomyopathy. Also called: HYPERTROPHIC MYOCARDIOPATHY. Identifiers: Orphanet 217569, MedGen C0007194, MeSH D002312, MONDO:0005045, HP:0001639.

Submission:

Labcorp Genetics (formerly Invitae), Labcorp
Classification: Uncertain significance for Hypertrophic cardiomyopathy. Last evaluated: 2024-08-22. Review status: criteria provided, single submitter. Criteria: Invitae Variant Classification Sherloc (09022015). Collection method: clinical testing. Allele origin: germline.
Comment: This sequence change replaces arginine, which is basic and polar, with serine, which is neutral and polar, at codon 1372 of the MYH7 protein (p.Arg1372Ser). This variant is not present in population databases (gnomAD no frequency). This variant has not been reported in the literature in individuals affected with MYH7-related conditions. Invitae Evidence Modeling of protein sequence and biophysical properties (such as structural, functional, and spatial information, amino acid conservation, physicochemical variation, residue mobility, and thermodynamic stability) indicates that this missense variant is expected to disrupt MYH7 protein function with a positive predictive value of 95%. In summary, the available evidence is currently insufficient to determine the role of this variant in disease. Therefore, it has been classified as a Variant of Uncertain Significance.